The following is an entry in ClinVar:

ClinVar aggregate classification (germline): not provided (0 of 4 stars; one submission).

Conditions:
Normal pregnancy. Identifiers: MedGen C0232989.

Submission:

Institute of Molecular and Cell Biology, University of Tartu
No classification provided. Condition: Normal pregnancy. Review status: no classification provided. Collection method: case-control. Allele origin: unknown. Affected: yes. Study: Kasak2014.
Comment: The study aimed to determine the contribution of copy number variants in the genetic etiology of normal and complicated pregnancies. The samples represented (i) maternal blood DNA drawn from healthy pregnant women during 1st or 2nd trimester and (ii) maternal and paternal blood DNA drawn at term pregnancy cases representing normal and complicated gestations (severe preeclampsia, PE; gestational diabetes, GD; small-for-gestational age newborn, SGA; large-for-gestational age newborn, LGA). We performed CNV calling based on genome-wide genotyping dataset (Illumina HumanOmniExpress-24-v1 BeadChip) by applying three algorithms, QuantiSNP, GADA (Genome Alteration Detection Algorithm) and CNstream in parallel. The acquired CNV calls were merged with HD-CNV (Hotspot Detector for Copy Number Variants) program and only the CNVs predicted by at least two programs, were considered in subsequent analysis.

Literature cited by the submitters: PubMed 25666259.

Single allele

Gene: LOC129390953 (MPRA-validated peak3042 silencer; plus strand). Cytogenetic location: 18p11.32.
Variant type: Deletion.
Identifiers: ClinVar variation 157408 (VCV000157408.2).